The following is an entry in ClinVar:

NM_000368.5(TSC1):c.325C>A (p.Gln109Lys)

Gene: TSC1 (TSC complex subunit 1; minus strand). Cytogenetic location: 9q34.13.
Variant type: single nucleotide variant.
Coding change: c.325C>A on transcript NM_000368.5 (MANE Select); coding-DNA position 325, C replaced by A.
Protein change: p.Gln109Lys; replaces glutamine 109 with lysine.
Molecular consequence: missense variant. On other transcripts: 5 prime UTR variant (1), intron variant (1).
Genome position (GRCh38, 1-based): chr9:132,925,625, G>T on the plus strand (C>A on the coding strand, the complement: TSC1 is on the minus strand). VCF-style: chr9-132925625-G-T. GRCh37 (hg19) VCF-style: chr9-135801012-G-T.
Other names: c.325C>A, p.Gln109Lys (NM_001162426.2, NM_001406592.1, NM_001406593.1 and 16 more transcripts); c.-39C>A (NM_001362177.2, NM_001406617.1, NM_001406618.1 and 5 more transcripts); c.-131C>A (NM_001406614.1, NM_001406616.1, NM_001406624.1); c.-164C>A (NM_001406615.1, NM_001406623.1); c.-553C>A (NM_001406626.1, NM_001406627.1, NM_001406628.1); c.-695C>A (NM_001406629.1); c.-769C>A (NM_001406630.1); c.210+1576C>A (NM_001162427.2); short protein forms Q109K.
Identifiers: ClinVar variation 1729505 (VCV001729505.2), dbSNP rs397514774, ClinGen allele CA375374430.
Genomic context (GRCh38, chr9:132,925,625, plus strand): 5'-CAAATCCTTACAAACATCCTACCTTGAGACATTTTAGTAAAGAAGGCAAAAGAGGTGCTT[G>T]AGAGAGCTTATGCTTCCAAGATGGCTGCAGTCTTATGACATGACCCAGTAACGAGAGGAT-3'
Protein context (NP_000359.1, residues 99-119): LQPSWKHKLS[Gln109Lys]APLLPSLLKC

ClinVar aggregate classification (germline): Uncertain significance (1 of 4 stars; one submission).

Conditions:
Hereditary cancer-predisposing syndrome. Also called: Neoplastic Syndromes, Hereditary; Tumor predisposition; Hereditary Cancer Syndrome; Hereditary neoplastic syndrome. Identifiers: Orphanet 140162, MedGen C0027672, MeSH D009386, MONDO:0015356.

Submission:

Ambry Genetics
Classification: Uncertain significance for Hereditary cancer-predisposing syndrome. Last evaluated: 2022-04-05. Review status: criteria provided, single submitter. Criteria: Ambry Variant Classification Scheme 2023. Collection method: clinical testing. Allele origin: germline.
Comment: The p.Q109K variant (also known as c.325C>A), located in coding exon 3 of the TSC1 gene, results from a C to A substitution at nucleotide position 325. The glutamine at codon 109 is replaced by lysine, an amino acid with similar properties. This amino acid position is conserved. In addition, the in silico prediction for this alteration is inconclusive. Since supporting evidence is limited at this time, the clinical significance of this alteration remains unclear.